The following is an entry in ClinVar:

ClinVar aggregate classification (germline): Uncertain significance (1 of 4 stars; one submission).

Submission:

Labcorp Genetics (formerly Invitae), Labcorp
Classification: Uncertain significance. Last evaluated: 2024-06-15. Review status: criteria provided, single submitter. Criteria: Invitae Variant Classification Sherloc (09022015). Collection method: clinical testing. Allele origin: germline.
Comment: This sequence change falls in intron 9 of the COL2A1 gene. It does not directly change the encoded amino acid sequence of the COL2A1 protein. It affects a nucleotide within the consensus splice site. This variant is not present in population databases (gnomAD no frequency). This variant has not been reported in the literature in individuals affected with COL2A1-related conditions. Variants that disrupt the consensus splice site are a relatively common cause of aberrant splicing (PMID: 17576681, 9536098). Algorithms developed to predict the effect of sequence changes on RNA splicing suggest that this variant is not likely to affect RNA splicing. In summary, the available evidence is currently insufficient to determine the role of this variant in disease. Therefore, it has been classified as a Variant of Uncertain Significance.

Literature cited by the submitters: PubMed 17576681; PubMed 9536098.

NM_001844.5(COL2A1):c.655-3T>C

Gene: COL2A1 (collagen type II alpha 1 chain; minus strand). Cytogenetic location: 12q13.11.
Variant type: single nucleotide variant.
Coding change: c.655-3T>C on transcript NM_001844.5 (MANE Select); 3 bases into the intron before coding-DNA position 655, T replaced by C.
Molecular consequence: intron variant.
Genome position (GRCh38, 1-based): chr12:47,995,766, A>G on the plus strand (T>C on the coding strand, the complement: COL2A1 is on the minus strand). VCF-style: chr12-47995766-A-G. GRCh37 (hg19) VCF-style: chr12-48389549-A-G.
Other names: c.448-3T>C (NM_033150.3).
Identifiers: ClinVar variation 3655715 (VCV003655715.2).